The following is an entry in ClinVar:

NM_030962.4(SBF2):c.5017G>A (p.Glu1673Lys)

Genes: SBF2-AS1 (SBF2 antisense RNA 1; plus strand), SBF2 (SET binding factor 2; minus strand), LOC105369149 (uncharacterized LOC105369149; plus strand). Cytogenetic location: 11p15.4.
Variant type: single nucleotide variant.
Coding change: c.5017G>A on transcript NM_030962.4 (MANE Select); coding-DNA position 5017, G replaced by A.
Protein change: p.Glu1673Lys; replaces glutamic acid 1673 with lysine.
Molecular consequence: missense variant.
Genome position (GRCh38, 1-based): chr11:9,787,654, C>T on the plus strand (G>A on the coding strand, the complement: SBF2 is on the minus strand). VCF-style: chr11-9787654-C-T. GRCh37 (hg19) VCF-style: chr11-9809201-C-T.
Other names: c.5113G>A, p.Glu1705Lys (NM_001386339.1); c.4888G>A, p.Glu1630Lys (NM_001386342.1); short protein forms E1673K, E1630K, E1705K.
Identifiers: ClinVar variation 543356 (VCV000543356.8), dbSNP rs764823510, ClinGen allele CA5880840.

ClinVar aggregate classification (germline): Uncertain significance. Review status: criteria provided, multiple submitters, no conflicts (2 of 4 stars). 2 submissions from 2 submitters: Uncertain significance (2). Last evaluated 2025-08-13.

Conditions:
Charcot-Marie-Tooth disease type 4B2. Also called: Charcot-Marie-Tooth Neuropathy Type 4B2; CHARCOT-MARIE-TOOTH DISEASE, WITH FOCALLY FOLDED MYELIN SHEATHS, AUTOSOMAL RECESSIVE, TYPE 4B2; CMT 4B2; CHARCOT-MARIE-TOOTH DISEASE, DEMYELINATING, TYPE 4B2. Identifiers: Orphanet 99956, MedGen C1858278, MONDO:0011475, OMIM 604563.
Congenital thrombocytopenia. Identifiers: MedGen C0272278, HP:0001905.
Charcot-Marie-Tooth disease type 4. Also called: Charcot-Marie-Tooth, Type 4; Charcot-Marie-Tooth disease, type IV. Identifiers: Orphanet 64749, MedGen C4082197, MONDO:0018995.
Inborn genetic diseases. Identifiers: MedGen C0950123, MeSH D030342.

Allele frequency attached by ClinVar (database versions not stated): ExAC 0.00002; gnomAD 0.00002; gnomAD exomes 0.00002 and 0.00004; TOPMed 0.00003.
gnomAD v4.1: 61 of 1,614,020 alleles (0.0038%); highest among the groups gnomAD compares: Non-Finnish European, 0.0049%; no homozygotes.

Submissions (2):

Ambry Genetics
Classification: Uncertain significance for Inborn genetic diseases. Last evaluated: 2025-08-13. Review status: criteria provided, single submitter. Criteria: Ambry Variant Classification Scheme 2023. Collection method: clinical testing. Allele origin: germline.

Labcorp Genetics (formerly Invitae), Labcorp
Classification: Uncertain significance for Charcot-Marie-Tooth disease type 4. Last evaluated: 2022-10-17. Review status: criteria provided, single submitter. Criteria: Invitae Variant Classification Sherloc (09022015). Collection method: clinical testing. Allele origin: germline.
Comment: This sequence change replaces glutamic acid, which is acidic and polar, with lysine, which is basic and polar, at codon 1673 of the SBF2 protein (p.Glu1673Lys). This variant is present in population databases (rs764823510, gnomAD 0.007%). This variant has not been reported in the literature in individuals affected with SBF2-related conditions. ClinVar contains an entry for this variant (Variation ID: 543356). Advanced modeling of protein sequence and biophysical properties (such as structural, functional, and spatial information, amino acid conservation, physicochemical variation, residue mobility, and thermodynamic stability) performed at Invitae indicates that this missense variant is not expected to disrupt SBF2 protein function. In summary, the available evidence is currently insufficient to determine the role of this variant in disease. Therefore, it has been classified as a Variant of Uncertain Significance.